The following is an entry in ClinVar:

NM_001267550.2(TTN):c.104575C>T (p.Arg34859Trp)

Genes: TTN-AS1 (TTN antisense RNA 1; plus strand), TTN (titin; minus strand). Cytogenetic location: 2q31.2.
Variant type: single nucleotide variant.
Coding change: c.104575C>T on transcript NM_001267550.2 (MANE Select); coding-DNA position 104575, C replaced by T.
Protein change: p.Arg34859Trp; replaces arginine 34859 with tryptophan.
Molecular consequence: missense variant.
Genome position (GRCh38, 1-based): chr2:178,532,040, G>A on the plus strand (C>T on the coding strand, the complement: TTN is on the minus strand). VCF-style: chr2-178532040-G-A. GRCh37 (hg19) VCF-style: chr2-179396767-G-A.
Other names: c.99652C>T, p.Arg33218Trp (NM_001256850.1); c.77380C>T, p.Arg25794Trp (NM_003319.4); c.96871C>T, p.Arg32291Trp (NM_133378.4); c.77755C>T, p.Arg25919Trp (NM_133432.3); c.77956C>T, p.Arg25986Trp (NM_133437.4); short protein forms R34859W, R25919W, R25986W, R25794W, R32291W, R33218W.
Identifiers: ClinVar variation 466730 (VCV000466730.11), dbSNP rs879243057, ClinGen allele CA60956099.

ClinVar aggregate classification (germline): Uncertain significance. Review status: criteria provided, multiple submitters, no conflicts (2 of 4 stars). 7 submissions from 7 submitters: Uncertain significance (7). Last evaluated 2026-03-17.

Conditions:
TTN-related disorder. Also called: TTN-related condition; TTN-related disease; TTN-related disorders.
Autosomal recessive limb-girdle muscular dystrophy type 2J (LGMDR10). Also called: Limb-girdle muscular dystrophy, type 2J; MUSCULAR DYSTROPHY, LIMB-GIRDLE, AUTOSOMAL RECESSIVE 10. Identifiers: Orphanet 140922, MedGen C1837342, MONDO:0012127, OMIM 608807.
Dilated cardiomyopathy 1G (CMD1G). Identifiers: Orphanet 154, MedGen C1858763, MONDO:0011400, OMIM 604145.
Hypertrophic cardiomyopathy 9. Also called: Familial hypertrophic cardiomyopathy 9. Identifiers: MedGen C1861065, MONDO:0013412, OMIM 613765.
Myopathy, myofibrillar, 9, with early respiratory failure (MFM9). Also called: Hereditary myopathy with early respiratory failure; MYOPATHY, PROXIMAL, WITH EARLY RESPIRATORY MUSCLE INVOLVEMENT; EDSTROM MYOPATHY; Myopathy, distal, with early respiratory failure, autosomal dominant. Identifiers: Orphanet 178464, Orphanet 34521, MedGen C1863599, MONDO:0011362, OMIM 603689.
Tibial muscular dystrophy (TMD). Also called: Udd Distal Myopathy – Tibial Muscular Dystrophy; UDD MYOPATHY; Tibial muscular dystrophy, tardive. Identifiers: Orphanet 609, MedGen C1838244, MONDO:0010870, OMIM 600334.
Early-onset myopathy with fatal cardiomyopathy (CMYO5). Also called: Salih Myopathy; CONGENITAL MYOPATHY 5 WITH CARDIOMYOPATHY. Identifiers: Orphanet 289377, MedGen C2673677, MONDO:0012714, OMIM 611705. Disease mechanism: loss of function.

Allele frequency attached by ClinVar (database versions not stated): gnomAD exomes 0.00001; TOPMed 0.00002; gnomAD 0.00003 and 0.00004.
gnomAD v4.1: 31 of 1,613,772 alleles (0.0019%); highest among the groups gnomAD compares: Non-Finnish European, 0.0025%; no homozygotes.

Submissions (7):

PreventionGenetics, part of Exact Sciences
Classification: Uncertain significance for TTN-related condition. Last evaluated: 2026-03-17. Review status: criteria provided, single submitter. Criteria: ACMG Guidelines, 2015. Collection method: clinical testing. Allele origin: germline.
Comment: The TTN c.104575C>T variant is predicted to result in the amino acid substitution p.Arg34859Trp. To our knowledge, this variant has not been reported in the literature in individuals with TTN-related disorders. This variant is reported in 0.0023% of alleles in individuals of European (Non-Finnish) descent in gnomAD. At this time, the clinical significance of this variant is uncertain due to the absence of conclusive functional and genetic evidence.

Women's Health and Genetics/Laboratory Corporation of America, LabCorp
Classification: Uncertain significance. Last evaluated: 2026-03-11. Review status: criteria provided, single submitter. Criteria: LabCorp Variant Classification Summary - May 2015. Collection method: clinical testing. Allele origin: germline.
Comment: Variant summary: TTN c.96871C>T (p.Arg32291Trp) results in a non-conservative amino acid change in the encoded protein sequence. Algorithms developed to predict the effect of missense changes on protein structure and function are either unavailable or do not agree on the potential impact of this missense change. The variant allele was found at a frequency of 1.2e-05 in 248822 control chromosomes. The available data on variant occurrences in the general population are insufficient to allow any conclusion about variant significance. To our knowledge, no occurrence of c.96871C>T in individuals affected with TTN-related conditions and no experimental evidence demonstrating its impact on protein function have been reported. The following publications have been ascertained in the context of this evaluation (PMID: 29263846, 25448463). ClinVar contains an entry for this variant (Variation ID: 466730). Based on the evidence outlined above, the variant was classified as uncertain significance.

Blueprint Genetics
Classification: Uncertain significance. Last evaluated: 2024-09-12. Review status: criteria provided, single submitter. Criteria: ACMG Guidelines, 2015. Collection method: clinical testing. Allele origin: germline.

Revvity Omics, Revvity
Classification: Uncertain significance. Last evaluated: 2022-05-04. Review status: criteria provided, single submitter. Criteria: ACMG Guidelines, 2015. Collection method: clinical testing. Allele origin: germline.

Fulgent Genetics
Classification: Uncertain significance for Tibial muscular dystrophy; Myopathy, myofibrillar, 9, with early respiratory failure; Dilated cardiomyopathy 1G; Autosomal recessive limb-girdle muscular dystrophy type 2J; Early-onset myopathy with fatal cardiomyopathy; Hypertrophic cardiomyopathy 9. Last evaluated: 2022-02-17. Review status: criteria provided, single submitter. Criteria: ACMG Guidelines, 2015. Collection method: clinical testing. Allele origin: unknown.

Labcorp Genetics (formerly Invitae), Labcorp
Classification: Uncertain significance for Dilated cardiomyopathy 1G; Autosomal recessive limb-girdle muscular dystrophy type 2J. Last evaluated: 2017-07-13. Review status: criteria provided, single submitter. Criteria: Invitae Variant Classification Sherloc (09022015). Collection method: clinical testing. Allele origin: germline.

Breakthrough Genomics
Classification: Uncertain significance. Review status: criteria provided, single submitter. Criteria: ACMG Guidelines, 2015. Collection method: not provided. Allele origin: germline. Inheritance: Autosomal recessive inheritance. Affected: yes.

Literature cited by the submitters: PubMed 25448463 (cited by Women's Health and Genetics/Laboratory Corporation of America, LabCorp); PubMed 29263846 (cited by Women's Health and Genetics/Laboratory Corporation of America, LabCorp).